The following is an entry in ClinVar:

ClinVar aggregate classification (germline): Uncertain significance. Review status: criteria provided, multiple submitters, no conflicts (2 of 4 stars). 2 submissions from 2 submitters: Uncertain significance (2). Last evaluated 2025-11-03.

Conditions:
Hereditary cancer-predisposing syndrome. Also called: Tumor predisposition; Hereditary neoplastic syndrome; Neoplastic Syndromes, Hereditary; Hereditary Cancer Syndrome. Identifiers: Orphanet 140162, MedGen C0027672, MeSH D009386, MONDO:0015356.
Familial adenomatous polyposis 1 (FAP1). Also called: FAMILIAL ADENOMATOUS POLYPOSIS 1, ATTENUATED; POLYPOSIS, ADENOMATOUS INTESTINAL. Identifiers: MedGen C2713442, MONDO:0021056, OMIM 175100. Disease mechanism: loss of function.

Submissions (2):

Ambry Genetics
Classification: Uncertain significance for Hereditary cancer-predisposing syndrome. Last evaluated: 2025-11-03. Review status: criteria provided, single submitter. Criteria: Ambry Variant Classification Scheme 2023. Collection method: clinical testing. Allele origin: germline.

Labcorp Genetics (formerly Invitae), Labcorp
Classification: Uncertain significance for Familial adenomatous polyposis 1. Last evaluated: 2019-02-28. Review status: criteria provided, single submitter. Criteria: Invitae Variant Classification Sherloc (09022015). Collection method: clinical testing. Allele origin: germline.
Comment: In summary, the available evidence is currently insufficient to determine the role of this variant in disease. Therefore, it has been classified as a Variant of Uncertain Significance. Algorithms developed to predict the effect of missense changes on protein structure and function are either unavailable or do not agree on the potential impact of this missense change (SIFT: "Deleterious"; PolyPhen-2: "Benign"; Align-GVGD: "Class C0"). This variant has not been reported in the literature in individuals with APC-related conditions. This variant is not present in population databases (ExAC no frequency). This sequence change replaces methionine with lysine at codon 2373 of the APC protein (p.Met2373Lys). The methionine residue is moderately conserved and there is a moderate physicochemical difference between methionine and lysine.

NM_000038.6(APC):c.7118T>A (p.Met2373Lys)

Gene: APC (APC regulator of Wnt signaling pathway; plus strand). Cytogenetic location: 5q22.2.
Variant type: single nucleotide variant.
Coding change: c.7118T>A on transcript NM_000038.6 (MANE Select); coding-DNA position 7118, T replaced by A.
Protein change: p.Met2373Lys; replaces methionine 2373 with lysine.
Molecular consequence: missense variant.
Genome position (GRCh38, 1-based): chr5:112,842,712, T>A. VCF-style: chr5-112842712-T-A. GRCh37 (hg19) VCF-style: chr5-112178409-T-A.
Other names: c.7118T>A, p.Met2373Lys (NM_001127510.3, NM_001354895.2); c.7064T>A, p.Met2355Lys (NM_001127511.3); c.7172T>A, p.Met2391Lys (NM_001354896.2); c.7148T>A, p.Met2383Lys (NM_001354897.2); c.7043T>A, p.Met2348Lys (NM_001354898.2); c.7034T>A, p.Met2345Lys (NM_001354899.2); c.6995T>A, p.Met2332Lys (NM_001354900.2); c.6941T>A, p.Met2314Lys (NM_001354901.2); and 5 more; short protein forms M2355K, M2383K, M2391K, M2090K, M2247K, M2272K, M2345K, M2348K.
Identifiers: ClinVar variation 857579 (VCV000857579.12), dbSNP rs1060503286, ClinGen allele CA16036831.
Genomic context (GRCh38, chr5:112,842,712, plus strand): 5'-CTGCTTCAACTAAGTCCTCAGGTTCTGGAAAAATGTCATATACATCTCCAGGTAGACAGA[T>A]GAGCCAACAGAACCTTACCAAACAAACAGGTTTATCCAAGAATGCCAGTAGTATTCCAAG-3'
Protein context (NP_000029.2, residues 2363-2383): KMSYTSPGRQ[Met2373Lys]SQQNLTKQTG